The following is an entry in ClinVar:

NM_015335.5(MED13L):c.1946C>T (p.Pro649Leu)

Gene: MED13L (mediator complex subunit 13L; minus strand). Cytogenetic location: 12q24.21.
Variant type: single nucleotide variant.
Coding change: c.1946C>T on transcript NM_015335.5 (MANE Select); coding-DNA position 1946, C replaced by T.
Protein change: p.Pro649Leu; replaces proline 649 with leucine.
Molecular consequence: missense variant.
Genome position (GRCh38, 1-based): chr12:116,008,467, G>A on the plus strand (C>T on the coding strand, the complement: MED13L is on the minus strand). VCF-style: chr12-116008467-G-A. GRCh37 (hg19) VCF-style: chr12-116446272-G-A.
Other names: short protein forms P649L.
Identifiers: ClinVar variation 3359906 (VCV003359906.1).

ClinVar aggregate classification (germline): Uncertain significance (1 of 4 stars; one submission).

gnomAD v4.1: 2 of 1,613,328 alleles (0.00012%); highest among the groups gnomAD compares: African/African-American, 0.0013%; no homozygotes.

Submission:

GeneDx
Classification: Uncertain significance. Last evaluated: 2023-06-13. Review status: criteria provided, single submitter. Criteria: GeneDx Variant Classification Process June 2021. Collection method: clinical testing. Allele origin: germline. Affected: yes.
Comment: Not observed at significant frequency in large population cohorts (gnomAD); In silico analysis supports that this missense variant has a deleterious effect on protein structure/function; Has not been previously published as pathogenic or benign to our knowledge